The following is an entry in ClinVar:

ClinVar aggregate classification (germline): Uncertain significance. Review status: criteria provided, multiple submitters, no conflicts (2 of 4 stars). 3 submissions from 3 submitters: Uncertain significance (3). Last evaluated 2026-06-15.

Conditions:
Cardiovascular phenotype. Identifiers: MedGen CN230736.

Submissions (3):

Ambry Genetics
Classification: Uncertain significance for Cardiovascular phenotype. Last evaluated: 2026-06-15. Review status: criteria provided, single submitter. Criteria: Ambry Variant Classification Scheme 2023. Collection method: clinical testing. Allele origin: germline.
Comment: The p.P47T variant (also known as c.139C>A), located in coding exon 5 of the COL1A2 gene, results from a C to A substitution at nucleotide position 139. The proline at codon 47 is replaced by threonine, an amino acid with highly similar properties. This amino acid position is conserved. In addition, this alteration is predicted to be tolerated by in silico analysis. Based on the available evidence, the clinical significance of this variant remains unclear.

Women's Health and Genetics/Laboratory Corporation of America, LabCorp
Classification: Uncertain significance. Last evaluated: 2026-06-08. Review status: criteria provided, single submitter. Criteria: LabCorp Variant Classification Summary - May 2015. Collection method: clinical testing. Allele origin: germline.

Mendelics
Classification: Uncertain significance. Last evaluated: 2022-05-04. Review status: criteria provided, single submitter. Criteria: Mendelics Assertion Criteria 2019. Collection method: clinical testing. Allele origin: germline.

NM_000089.4(COL1A2):c.139C>A (p.Pro47Thr)

Gene: COL1A2 (collagen type I alpha 2 chain; plus strand). Cytogenetic location: 7q21.3.
Variant type: single nucleotide variant.
Coding change: c.139C>A on transcript NM_000089.4 (MANE Select); coding-DNA position 139, C replaced by A.
Protein change: p.Pro47Thr; replaces proline 47 with threonine.
Molecular consequence: missense variant.
Genome position (GRCh38, 1-based): chr7:94,400,202, C>A. VCF-style: chr7-94400202-C-A. GRCh37 (hg19) VCF-style: chr7-94029514-C-A.
Other names: c.139C>A (NM_000089.3); short protein forms P47T.
Identifiers: ClinVar variation 1686580 (VCV001686580.3), dbSNP rs771800420, ClinGen allele CA4346533.